The following is an entry in ClinVar:

ClinVar aggregate classification (germline): Uncertain significance. Review status: criteria provided, multiple submitters, no conflicts (2 of 4 stars). 3 submissions from 3 submitters: Uncertain significance (3). Last evaluated 2026-02-20.

Conditions:
Congenital heart defect.

Allele frequency attached by ClinVar (database versions not stated): TOPMed 0.00009; gnomAD 0.00013; ExAC 0.00028.
gnomAD v4.1: 362 of 1,529,078 alleles (0.024%); highest among the groups gnomAD compares: Non-Finnish European, 0.03%; no homozygotes.

Submissions (3):

GeneDx
Classification: Uncertain significance. Last evaluated: 2026-02-20. Review status: criteria provided, single submitter. Criteria: GeneDx Variant Classification Process June 2021. Collection method: clinical testing. Allele origin: germline.
Comment: In silico analysis suggests that this missense variant does not alter protein structure/function; Has not been previously published as pathogenic or benign to our knowledge

Labcorp Genetics (formerly Invitae), Labcorp
Classification: Uncertain significance. Last evaluated: 2025-07-25. Review status: criteria provided, single submitter. Criteria: Invitae Variant Classification Sherloc (09022015). Collection method: clinical testing. Allele origin: germline.
Comment: This sequence change replaces aspartic acid, which is acidic and polar, with histidine, which is basic and polar, at codon 41 of the RBFOX2 protein (p.Asp41His). This variant is present in population databases (rs769783955, gnomAD 0.02%). This variant has not been reported in the literature in individuals affected with RBFOX2-related conditions. ClinVar contains an entry for this variant (Variation ID: 2712217). An algorithm developed to predict the effect of missense changes on protein structure and function (PolyPhen-2) suggests that this variant is likely to be tolerated. In summary, the available evidence is currently insufficient to determine the role of this variant in disease. Therefore, it has been classified as a Variant of Uncertain Significance.

Clinical Genomics Laboratory, Washington University in St. Louis
Classification: Uncertain significance for Congenital heart defect. Last evaluated: 2025-04-30. Review status: criteria provided, single submitter. Criteria: ACMG Guidelines, 2015. Collection method: clinical testing. Allele origin: germline.
Comment: The RBFOX2 c.121G>C (p.Asp41His) variant, to our knowledge, has not been reported in the medical literature. The highest population minor allele frequency in the population database genome aggregation database (v.4.1.0) is 0.03% in the European non-Finnish population. Computational predictors suggest that the variant does not impact RBFOX2 function. This variant has been reported in the ClinVar database as a germline variant of uncertain significance by one submitter (Variation ID: 2712217). Due to limited information, and based on ACMG/AMP guidelines for variant interpretation (Richards S et al., PMID: 25741868), the clinical significance of this variant is uncertain at this time.

NM_001349999.2(RBFOX2):c.121G>C (p.Asp41His)

Gene: RBFOX2 (RNA binding fox-1 homolog 2; minus strand). Cytogenetic location: 22q12.3.
Variant type: single nucleotide variant.
Coding change: c.121G>C on transcript NM_001349999.2 (MANE Select); coding-DNA position 121, G replaced by C.
Protein change: p.Asp41His; replaces aspartic acid 41 with histidine.
Molecular consequence: missense variant.
Genome position (GRCh38, 1-based): chr22:36,028,305, C>G on the plus strand (G>C on the coding strand, the complement: RBFOX2 is on the minus strand). VCF-style: chr22-36028305-C-G. GRCh37 (hg19) VCF-style: chr22-36424353-C-G.
Other names: c.121G>C (NM_001082578.1); c.121G>C, p.Asp41His (NM_001082578.4, NM_001082579.3, NM_001394108.1 and 7 more transcripts); short protein forms D41H.
Identifiers: ClinVar variation 2712217 (VCV002712217.5), dbSNP rs769783955, ClinGen allele CA10207175.